The following is an entry in ClinVar:

ClinVar aggregate classification (germline): Uncertain significance. Review status: criteria provided, multiple submitters, no conflicts (2 of 4 stars). 3 submissions from 3 submitters: Uncertain significance (3). Last evaluated 2025-09-28.

Conditions:
Inborn genetic diseases. Identifiers: MedGen C0950123, MeSH D030342.

Allele frequency attached by ClinVar (database versions not stated): gnomAD exomes 0.00002 and 0.00007; TOPMed 0.00003; gnomAD 0.00004 and 0.00008; ExAC 0.00046; 1000 Genomes Project 30x 0.00062.
gnomAD v4.1: 33 of 1,361,428 alleles (0.0024%); highest among the groups gnomAD compares: East Asian, 0.074%; no homozygotes.

Submissions (3):

Ambry Genetics
Classification: Uncertain significance for Inborn genetic diseases. Last evaluated: 2025-09-28. Review status: criteria provided, single submitter. Criteria: Ambry Variant Classification Scheme 2023. Collection method: clinical testing. Allele origin: germline.

Labcorp Genetics (formerly Invitae), Labcorp
Classification: Uncertain significance. Last evaluated: 2025-08-18. Review status: criteria provided, single submitter. Criteria: Invitae Variant Classification Sherloc (09022015). Collection method: clinical testing. Allele origin: germline.
Comment: This sequence change replaces leucine, which is neutral and non-polar, with phenylalanine, which is neutral and non-polar, at codon 20 of the HMX1 protein (p.Leu20Phe). This variant is present in population databases (rs766419828, gnomAD 0.05%). This variant has not been reported in the literature in individuals affected with HMX1-related conditions. ClinVar contains an entry for this variant (Variation ID: 960648). Invitae Evidence Modeling of protein sequence and biophysical properties (such as structural, functional, and spatial information, amino acid conservation, physicochemical variation, residue mobility, and thermodynamic stability) indicates that this missense variant is not expected to disrupt HMX1 protein function with a negative predictive value of 80%. In summary, the available evidence is currently insufficient to determine the role of this variant in disease. Therefore, it has been classified as a Variant of Uncertain Significance.

Blueprint Genetics
Classification: Uncertain significance. Last evaluated: 2024-05-22. Review status: criteria provided, single submitter. Criteria: ACMG Guidelines, 2015. Collection method: clinical testing. Allele origin: germline.

NM_018942.3(HMX1):c.58C>T (p.Leu20Phe)

Gene: HMX1 (H6 family homeobox 1; minus strand). Cytogenetic location: 4p16.1.
Variant type: single nucleotide variant.
Coding change: c.58C>T on transcript NM_018942.3 (MANE Select); coding-DNA position 58, C replaced by T.
Protein change: p.Leu20Phe; replaces leucine 20 with phenylalanine.
Molecular consequence: missense variant.
Genome position (GRCh38, 1-based): chr4:8,871,557, G>A on the plus strand (C>T on the coding strand, the complement: HMX1 is on the minus strand). VCF-style: chr4-8871557-G-A. GRCh37 (hg19) VCF-style: chr4-8873283-G-A.
Other names: c.58C>T, p.Leu20Phe (NM_001306142.2); short protein forms L20F.
Identifiers: ClinVar variation 960648 (VCV000960648.9), dbSNP rs766419828, ClinGen allele CA2854325.